The following is an entry in ClinVar:

NM_000558.3(HBA1):c.154G>A (p.Gly52Ser)

Genes: HBA1 (hemoglobin subunit alpha 1; plus strand), LOC106804613 (hemoglobin subunit alpha 1 recombination region; plus strand). Cytogenetic location: 16p13.3.
Variant type: single nucleotide variant.
Coding change: c.154G>A on transcript NM_000558.3; coding-DNA position 154, G replaced by A.
Protein change: p.Gly52Ser; replaces glycine 52 with serine.
Molecular consequence: missense variant (on NM_000558.5).
Genome position (GRCh38, 1-based): chr16:176,987, G>A. VCF-style: chr16-176987-G-A. GRCh37 (hg19) VCF-style: chr16-226986-G-A.
Other names: G51S; c.154G>A, p.Gly52Ser (NM_000558.5); c.154G>A (NM_000558.4); short protein forms G52S.
Identifiers: ClinVar variation 15889 (VCV000015889.16), dbSNP rs33960522, ClinGen allele CA126021.

ClinVar aggregate classification (germline): Likely benign. Review status: criteria provided, single submitter (1 of 4 stars). 3 submissions from 3 submitters: Likely benign (1). 2 of the submissions do not count toward it. Last evaluated 2025-07-10.

Conditions:
HBA1-related disorder. Also called: HBA1-related condition.
HEMOGLOBIN RICCARTON.

Allele frequency attached by ClinVar (database versions not stated): gnomAD exomes 0.00028; gnomAD 0.00030; ExAC 0.00045.

Submissions (3):

ARUP Laboratories, Molecular Genetics and Genomics, ARUP Laboratories
Classification: Likely benign. Last evaluated: 2025-07-10. Review status: criteria provided, single submitter. Criteria: ARUP Molecular Germline Variant Investigation Process 2024. Collection method: clinical testing. Allele origin: germline.
Comment: The Hb Riccarton variant (HBA1: c.154G>A; p.Gly52Ser, also known as Gly51Ser when numbered from the mature protein, rs33960522, HbVar ID: 1233, ClinVar Variation ID: 15889) is reported in the literature in the heterozygous state in multiple asymptomatic individuals (see HbVar and references therein). This variant was also observed in one individual with alpha (+) thalassemia on the same allele as splice acceptor site variant c.301-2A>T (Scheps 2012). However, the phenotype of this variant in the presence of other alpha globin variants is unknown. This variant is found in the non-Finnish European population with an allele frequency of 0.06% (44/70302 alleles) in the Genome Aggregation Database (v2.1.1). Computational analyses predict that this variant is deleterious (REVEL: 0.772). Based on available information, the p.Gly52Ser variant is considered to be likely benign. References: Link to HbVar: Scheps KG et al. Identification of a new HBA1 gene mutation (HBA1:c.301-2A>T) in cis with Hb Riccarton (HBA1:c.154G>A) (alpha51(CE9)Gly>Ser). Hemoglobin. 2012;36(5):504-7. PMID: 22738642.

PreventionGenetics, part of Exact Sciences
Classification: Likely benign for HBA1-related condition. Last evaluated: 2023-02-17. Review status: no assertion criteria provided. Collection method: clinical testing. Allele origin: germline. Not counted in ClinVar's aggregate classification.
Comment: This variant is classified as likely benign based on ACMG/AMP sequence variant interpretation guidelines (Richards et al. 2015 PMID: 25741868, with internal and published modifications).

OMIM
Classification: other for HEMOGLOBIN RICCARTON. Last evaluated: 2016-07-20. Review status: no assertion criteria provided. Collection method: literature only. Allele origin: germline. Not counted in ClinVar's aggregate classification.

Literature cited by the submitters: PubMed 15768556 (cited by OMIM).